The following is an entry in ClinVar:

ClinVar aggregate classification (germline): Uncertain significance. Review status: criteria provided, multiple submitters, no conflicts (2 of 4 stars). 2 submissions from 2 submitters: Uncertain significance (2). Last evaluated 2025-11-27.

Conditions:
Hereditary cancer-predisposing syndrome. Also called: Hereditary Cancer Syndrome; Hereditary neoplastic syndrome; Neoplastic Syndromes, Hereditary; Tumor predisposition. Identifiers: Orphanet 140162, MedGen C0027672, MeSH D009386, MONDO:0015356.

Allele frequency attached by ClinVar (database versions not stated): gnomAD exomes below 0.00001.
gnomAD v4.1: 1 of 1,614,022 alleles (0.000062%); highest among the groups gnomAD compares: Non-Finnish European, 0.000085%; no homozygotes.

Submissions (2):

Labcorp Genetics (formerly Invitae), Labcorp
Classification: Uncertain significance. Last evaluated: 2025-11-27. Review status: criteria provided, single submitter. Criteria: Invitae Variant Classification Sherloc (09022015). Collection method: clinical testing. Allele origin: germline.
Comment: This sequence change replaces proline, which is neutral and non-polar, with alanine, which is neutral and non-polar, at codon 99 of the POLE protein (p.Pro99Ala). This variant is not present in population databases (gnomAD no frequency). This variant has not been reported in the literature in individuals affected with POLE-related conditions. ClinVar contains an entry for this variant (Variation ID: 405822). Invitae Evidence Modeling of protein sequence and biophysical properties (such as structural, functional, and spatial information, amino acid conservation, physicochemical variation, residue mobility, and thermodynamic stability) indicates that this missense variant is not expected to disrupt POLE protein function with a negative predictive value of 80%. In summary, the available evidence is currently insufficient to determine the role of this variant in disease. Therefore, it has been classified as a Variant of Uncertain Significance.

Ambry Genetics
Classification: Uncertain significance for Hereditary cancer-predisposing syndrome. Last evaluated: 2025-04-24. Review status: criteria provided, single submitter. Criteria: Ambry Variant Classification Scheme 2023. Collection method: clinical testing. Allele origin: germline.
Comment: The p.P99A variant (also known as c.295C>G), located in coding exon 4 of the POLE gene, results from a C to G substitution at nucleotide position 295. The proline at codon 99 is replaced by alanine, an amino acid with highly similar properties. This amino acid position is conserved. In addition, this alteration is predicted to be tolerated by in silico analysis. Based on the available evidence, the clinical significance of this variant remains unclear.

NM_006231.4(POLE):c.295C>G (p.Pro99Ala)

Gene: POLE (DNA polymerase epsilon, catalytic subunit; minus strand). Cytogenetic location: 12q24.33.
Variant type: single nucleotide variant.
Coding change: c.295C>G on transcript NM_006231.4 (MANE Select); coding-DNA position 295, C replaced by G.
Protein change: p.Pro99Ala; replaces proline 99 with alanine.
Molecular consequence: missense variant.
Genome position (GRCh38, 1-based): chr12:132,680,213, G>C on the plus strand (C>G on the coding strand, the complement: POLE is on the minus strand). VCF-style: chr12-132680213-G-C. GRCh37 (hg19) VCF-style: chr12-133256799-G-C.
Other names: short protein forms P99A.
Identifiers: ClinVar variation 405822 (VCV000405822.12), dbSNP rs1060500863, ClinGen allele CA16613926.